The following is an entry in ClinVar:

ClinVar aggregate classification (germline): Uncertain significance (1 of 4 stars; one submission).

Conditions:
Kleefstra syndrome 1 (KLEFS1). Identifiers: Orphanet 261494, MedGen C0795833, MONDO:0027407, OMIM 610253.

Submission:

Labcorp Genetics (formerly Invitae), Labcorp
Classification: Uncertain significance for Kleefstra syndrome 1. Last evaluated: 2023-01-12. Review status: criteria provided, single submitter. Criteria: Invitae Variant Classification Sherloc (09022015). Collection method: clinical testing. Allele origin: germline.
Comment: This sequence change replaces glycine, which is neutral and non-polar, with serine, which is neutral and polar, at codon 160 of the EHMT1 protein (p.Gly160Ser). In summary, the available evidence is currently insufficient to determine the role of this variant in disease. Therefore, it has been classified as a Variant of Uncertain Significance. Algorithms developed to predict the effect of missense changes on protein structure and function output the following: SIFT: "Tolerated"; PolyPhen-2: "Benign"; Align-GVGD: "Class C0". The serine amino acid residue is found in multiple mammalian species, which suggests that this missense change does not adversely affect protein function. This variant has not been reported in the literature in individuals affected with EHMT1-related conditions. This variant is not present in population databases (gnomAD no frequency).

NM_024757.5(EHMT1):c.478G>A (p.Gly160Ser)

Gene: EHMT1 (euchromatic histone lysine methyltransferase 1; plus strand). Cytogenetic location: 9q34.3.
Variant type: single nucleotide variant.
Coding change: c.478G>A on transcript NM_024757.5 (MANE Select); coding-DNA position 478, G replaced by A.
Protein change: p.Gly160Ser; replaces glycine 160 with serine.
Molecular consequence: missense variant.
Genome position (GRCh38, 1-based): chr9:137,717,018, G>A. VCF-style: chr9-137717018-G-A. GRCh37 (hg19) VCF-style: chr9-140611470-G-A.
Other names: c.478G>A, p.Gly160Ser (NM_001145527.2, NM_001354263.2, NM_001354611.2); c.385G>A, p.Gly129Ser (NM_001354259.2, NM_001354612.2); short protein forms G129S, G160S.
Identifiers: ClinVar variation 2062447 (VCV002062447.4), dbSNP rs2541036805, ClinGen allele CA375765299.